The following is an entry in ClinVar:

ClinVar aggregate classification (germline): Uncertain significance. Review status: criteria provided, multiple submitters, no conflicts (2 of 4 stars). 6 submissions from 6 submitters: Uncertain significance (6). Last evaluated 2025-03-04.

Conditions:
Classic or attenuated familial adenomatous polyposis. Identifiers: MedGen CN372698, MONDO:0021057.
Familial adenomatous polyposis 1 (FAP1). Also called: FAMILIAL ADENOMATOUS POLYPOSIS 1, ATTENUATED; POLYPOSIS, ADENOMATOUS INTESTINAL. Identifiers: MedGen C2713442, MONDO:0021056, OMIM 175100. Disease mechanism: loss of function.
Hereditary cancer-predisposing syndrome. Also called: Tumor predisposition; Neoplastic Syndromes, Hereditary; Hereditary neoplastic syndrome; Hereditary Cancer Syndrome. Identifiers: Orphanet 140162, MedGen C0027672, MeSH D009386, MONDO:0015356.

Allele frequency attached by ClinVar (database versions not stated): gnomAD exomes below 0.00001.
gnomAD v4.1: 3 of 1,614,084 alleles (0.00019%); highest among the groups gnomAD compares: Non-Finnish European, 0.00017%; no homozygotes.

Submissions (6):

Center for Genomic Medicine, Rigshospitalet, Copenhagen University Hospital
Classification: Uncertain significance. Last evaluated: 2025-03-04. Review status: criteria provided, single submitter. Criteria: ACMG Guidelines, 2015. Collection method: clinical testing. Allele origin: germline.

Labcorp Genetics (formerly Invitae), Labcorp
Classification: Uncertain significance for Familial adenomatous polyposis 1. Last evaluated: 2025-02-12. Review status: criteria provided, single submitter. Criteria: Invitae Variant Classification Sherloc (09022015). Collection method: clinical testing. Allele origin: germline.
Comment: This sequence change replaces serine, which is neutral and polar, with proline, which is neutral and non-polar, at codon 1758 of the APC protein (p.Ser1758Pro). This variant is not present in population databases (gnomAD no frequency). This variant has not been reported in the literature in individuals affected with APC-related conditions. ClinVar contains an entry for this variant (Variation ID: 851686). Invitae Evidence Modeling of protein sequence and biophysical properties (such as structural, functional, and spatial information, amino acid conservation, physicochemical variation, residue mobility, and thermodynamic stability) indicates that this missense variant is not expected to disrupt APC protein function with a negative predictive value of 95%. In summary, the available evidence is currently insufficient to determine the role of this variant in disease. Therefore, it has been classified as a Variant of Uncertain Significance.

Ambry Genetics
Classification: Uncertain significance for Hereditary cancer-predisposing syndrome. Last evaluated: 2025-01-16. Review status: criteria provided, single submitter. Criteria: Ambry Variant Classification Scheme 2023. Collection method: clinical testing. Allele origin: germline.
Comment: The p.S1758P variant (also known as c.5272T>C), located in coding exon 15 of the APC gene, results from a T to C substitution at nucleotide position 5272. The serine at codon 1758 is replaced by proline, an amino acid with similar properties. Missense alterations in APC are not a common cause of disease (Spier I et al. Genet Med. 2024 Feb;26(2):100992). This amino acid position is well conserved in available vertebrate species. In addition, in silico predictors for this gene do not accurately predict pathogenicity. Based on the available evidence, the clinical significance of this variant remains unclear.

Color Diagnostics, LLC DBA Color Health
Classification: Uncertain significance for Hereditary cancer-predisposing syndrome. Last evaluated: 2024-03-07. Review status: criteria provided, single submitter. Criteria: ACMG Guidelines, 2015. Collection method: clinical testing. Allele origin: germline.
Comment: This missense variant replaces serine with proline at codon 1758 of the APC protein. Computational prediction is inconclusive regarding the impact of this variant on protein structure and function (internally defined REVEL score threshold 0.5 < inconclusive < 0.7, PMID: 27666373). Splice site prediction tools suggest that this variant may not impact RNA splicing. To our knowledge, functional studies have not been reported for this variant. This variant has not been reported in individuals affected with hereditary cancer in the literature. This variant has not been identified in the general population by the Genome Aggregation Database (gnomAD). The available evidence is insufficient to determine the role of this variant in disease conclusively. Therefore, this variant is classified as a Variant of Uncertain Significance.

All of Us Research Program, National Institutes of Health
Classification: Uncertain significance for Classic or attenuated familial adenomatous polyposis. Last evaluated: 2023-11-28. Review status: criteria provided, single submitter. Criteria: ACMG Guidelines, 2015. Collection method: clinical testing. Allele origin: germline. Inheritance: Autosomal dominant inheritance. Observed: 1 variant allele, 1 heterozygote.
Comment: This missense variant replaces serine with proline at codon 1758 of the APC protein. Computational prediction is inconclusive regarding the impact of this variant on protein structure and function (internally defined REVEL score threshold 0.5 < inconclusive < 0.7, PMID: 27666373). Splice site prediction tools suggest that this variant may not impact RNA splicing. To our knowledge, functional studies have not been reported for this variant. This variant has not been reported in individuals affected with hereditary cancer in the literature. This variant has not been identified in the general population by the Genome Aggregation Database (gnomAD). The available evidence is insufficient to determine the role of this variant in disease conclusively. Therefore, this variant is classified as a Variant of Uncertain Significance.

This study involves interpretation of variants in research participants for the purpose of population health screening. Participant phenotype was not available at the time of variant classification. Additional details can be found in publication PMID: 35346344, PMCID: PMC8962531

Baylor Genetics
Classification: Uncertain significance for Familial adenomatous polyposis 1. Last evaluated: 2023-07-19. Review status: criteria provided, single submitter. Criteria: ACMG Guidelines, 2015. Collection method: clinical testing. Allele origin: unknown.

NM_000038.6(APC):c.5272T>C (p.Ser1758Pro)

Gene: APC (APC regulator of Wnt signaling pathway; plus strand). Cytogenetic location: 5q22.2.
Variant type: single nucleotide variant.
Coding change: c.5272T>C on transcript NM_000038.6 (MANE Select); coding-DNA position 5272, T replaced by C.
Protein change: p.Ser1758Pro; replaces serine 1758 with proline.
Molecular consequence: missense variant.
Genome position (GRCh38, 1-based): chr5:112,840,866, T>C. VCF-style: chr5-112840866-T-C. GRCh37 (hg19) VCF-style: chr5-112176563-T-C.
Other names: c.5272T>C, p.Ser1758Pro (NM_001127510.3, NM_001354895.2); c.5218T>C, p.Ser1740Pro (NM_001127511.3); c.5326T>C, p.Ser1776Pro (NM_001354896.2); c.5302T>C, p.Ser1768Pro (NM_001354897.2); c.5197T>C, p.Ser1733Pro (NM_001354898.2); c.5188T>C, p.Ser1730Pro (NM_001354899.2); c.5149T>C, p.Ser1717Pro (NM_001354900.2); c.5095T>C, p.Ser1699Pro (NM_001354901.2); and 5 more; short protein forms S1598P, S1657P, S1758P, S1768P, S1475P, S1717P, S1632P, S1667P.
Identifiers: ClinVar variation 851686 (VCV000851686.18), dbSNP rs1765907418, ClinGen allele CA16032855.